The following is an entry in ClinVar:

NM_000256.3(MYBPC3):c.3190G>C (p.Asp1064His)

Gene: MYBPC3 (myosin binding protein C3; minus strand). Cytogenetic location: 11p11.2.
Variant type: single nucleotide variant.
Coding change: c.3190G>C on transcript NM_000256.3 (MANE Select); coding-DNA position 3190, G replaced by C.
Protein change: p.Asp1064His; replaces aspartic acid 1064 with histidine.
Molecular consequence: missense variant.
Genome position (GRCh38, 1-based): chr11:47,333,557, C>G on the plus strand (G>C on the coding strand, the complement: MYBPC3 is on the minus strand). VCF-style: chr11-47333557-C-G. GRCh37 (hg19) VCF-style: chr11-47355108-C-G.
Other names: short protein forms D1064H.
Identifiers: ClinVar variation 4731462 (VCV004731462.1).

ClinVar aggregate classification (germline): Uncertain significance (1 of 4 stars; one submission).

Conditions:
Hypertrophic cardiomyopathy. Also called: HYPERTROPHIC MYOCARDIOPATHY. Identifiers: Orphanet 217569, MedGen C0007194, MeSH D002312, MONDO:0005045, HP:0001639.

Submission:

Labcorp Genetics (formerly Invitae), Labcorp
Classification: Uncertain significance for Hypertrophic cardiomyopathy. Last evaluated: 2025-11-18. Review status: criteria provided, single submitter. Criteria: Invitae Variant Classification Sherloc (09022015). Collection method: clinical testing. Allele origin: germline.
Comment: This sequence change replaces aspartic acid, which is acidic and polar, with histidine, which is basic and polar, at codon 1064 of the MYBPC3 protein (p.Asp1064His). This variant also falls at the last nucleotide of exon 29, which is part of the consensus splice site for this exon. This variant is not present in population databases (gnomAD no frequency). This variant has not been reported in the literature in individuals affected with MYBPC3-related conditions. An algorithm developed to predict the effect of missense changes on protein structure and function (PolyPhen-2) suggests that this variant is likely to be disruptive. Variants that disrupt the consensus splice site are a relatively common cause of aberrant splicing (PMID: 17576681, 9536098). Algorithms developed to predict the effect of sequence changes on RNA splicing suggest that this variant may disrupt the consensus splice site. In summary, the available evidence is currently insufficient to determine the role of this variant in disease. Therefore, it has been classified as a Variant of Uncertain Significance.

Literature cited by the submitters: PubMed 17576681; PubMed 9536098.